The following is an entry in ClinVar:

NM_181507.2(HPS5):c.1423del (p.Leu475fs)

Gene: HPS5 (HPS5 biogenesis of lysosomal organelles complex 2 subunit 2; minus strand). Cytogenetic location: 11p15.1.
Variant type: Deletion.
Coding change: c.1423del on transcript NM_181507.2 (MANE Select); coding-DNA position 1423, one base deleted (C; older notation c.1423delC).
Protein change: p.Leu475fs; shifts the reading frame from leucine 475.
Molecular consequence: frameshift variant.
Genome position (GRCh38, 1-based): chr11:18,296,885, G deleted on the plus strand (C on the coding strand, the reverse complement: HPS5 is on the minus strand); the first of 3 consecutive G bases (chr11:18,296,885-18,296,887); deleting any one gives the same sequence. VCF-style (leftmost placement, unchanged base first): chr11-18296884-AG-A. GRCh37 (hg19) VCF-style: chr11-18318431-AG-A.
Other names: c.1423delC (NM_181507.1); c.1081del, p.Leu361fs (NM_007216.4); c.1421delC, p.Leu475Serfs (NM_181507.1); c.1079delC, p.Leu361Serfs (NM_181508.2); short protein forms L361fs, L475fs.
Identifiers: ClinVar variation 431164 (VCV000431164.21), dbSNP rs766602179, ClinGen allele CA5910141.

ClinVar aggregate classification (germline): Pathogenic/Likely pathogenic. Review status: criteria provided, multiple submitters, no conflicts (2 of 4 stars). 9 submissions from 9 submitters: Pathogenic (3); Likely pathogenic (5). 1 of the submissions does not count toward it. Last evaluated 2026-01-13.

Conditions:
HPS5-related disorder. Also called: HPS5-related condition.
Hermansky-Pudlak syndrome (HPS). Also called: ALBINISM WITH HEMORRHAGIC DIATHESIS AND PIGMENTED RETICULOENDOTHELIAL CELLS. Identifiers: Orphanet 79430, MedGen C0079504, MONDO:0019312.
Hermansky-Pudlak syndrome 5 (HPS5). Identifiers: Orphanet 231512, Orphanet 79430, MedGen C3888004, MONDO:0013557, OMIM 614074.

Submissions (9):

PreventionGenetics, part of Exact Sciences
Classification: Likely pathogenic for HPS5-related condition. Last evaluated: 2026-01-13. Review status: criteria provided, single submitter. Criteria: ACMG Guidelines, 2015. Collection method: clinical testing. Allele origin: germline.
Comment: The HPS5 c.1423delC variant is predicted to result in a frameshift and premature protein termination (p.Leu475Serfs*37). This variant, also reported as c.1081delC in transcript NM007216, has been reported in individuals with Hermansky-Pudlak syndrome (HPS, Carmona-Rivera et al. 2011. PubMed ID: 21833017; Ringeisen et al. 2013. PubMed ID: 23607980; Supplementary Table 3, Downes et al. 2019. PubMed ID: 31064749). This variant is reported in 0.17% of alleles in individuals of Ashkenazi Jewish descent in gnomAD and is classified as likely pathogenic or pathogenic in ClinVar (Variation ID: 431164). Frameshift variants in HPS5 are expected to be pathogenic. This variant is interpreted as likely pathogenic.

Labcorp Genetics (formerly Invitae), Labcorp
Classification: Pathogenic. Last evaluated: 2025-12-23. Review status: criteria provided, single submitter. Criteria: Invitae Variant Classification Sherloc (09022015). Collection method: clinical testing. Allele origin: germline.
Comment: This sequence change creates a premature translational stop signal (p.Leu475Serfs*37) in the HPS5 gene. It is expected to result in an absent or disrupted protein product. Loss-of-function variants in HPS5 are known to be pathogenic (PMID: 12548288, 15296495, 21833017, 26785811). This variant is present in population databases (rs766602179, gnomAD 0.2%). This premature translational stop signal has been observed in individual(s) with Hermansky-Pudlak syndrome (PMID: 21833017, 23607980). This variant is also known as 1081delC. ClinVar contains an entry for this variant (Variation ID: 431164). For these reasons, this variant has been classified as Pathogenic.

Fulgent Genetics
Classification: Pathogenic for Hermansky-Pudlak syndrome 5. Last evaluated: 2024-05-06. Review status: criteria provided, single submitter. Criteria: ACMG Guidelines, 2015. Collection method: clinical testing. Allele origin: germline.

Department of Pathology and Laboratory Medicine, Sinai Health System
Classification: Likely pathogenic for Hermansky-Pudlak syndrome 5. Last evaluated: 2023-05-17. Review status: criteria provided, single submitter. Criteria: ACMG Guidelines, 2015. Collection method: research. Allele origin: germline.

Women's Health and Genetics/Laboratory Corporation of America, LabCorp
Classification: Likely pathogenic for Hermansky-Pudlak syndrome. Last evaluated: 2023-02-28. Review status: criteria provided, single submitter. Criteria: LabCorp Variant Classification Summary - May 2015. Collection method: clinical testing. Allele origin: germline.
Comment: Variant summary: HPS5 c.1423delC (p.Leu475SerfsX37) results in a premature termination codon, predicted to cause a truncation of the encoded protein or absence of the protein due to nonsense mediated decay, which are commonly known mechanisms for disease. Truncations downstream of this position have been associated with Hermansky-Pudlak Syndrome in HGMD and classified as pathogenic in ClinVar. The variant allele was found at a frequency of 8e-05 in 251438 control chromosomes (gnomAD). This frequency is not significantly higher than estimated for a pathogenic variant in HPS5 causing Hermansky-Pudlak Syndrome (8e-05 vs 0.00047), allowing no conclusion about variant significance. c.1423delC has been reported in the literature in individuals affected with Hermansky-Pudlak Syndrome (Carmona-Rivera_2011, Ringeisen_2013). These data indicate that the variant may be associated with disease. To our knowledge, no experimental evidence demonstrating an impact on protein function has been reported. Six clinical diagnostic laboratories have submitted clinical-significance assessments for this variant to ClinVar after 2014 without evidence for independent evaluation and classified as VUS (n=1), Likely Pathogenic, (n=2) and Pathogenic(n=3). Based on the evidence outlined above, the variant was classified as likely pathogenic.

Revvity Omics, Revvity
Classification: Pathogenic for Hermansky-Pudlak syndrome 5. Last evaluated: 2019-06-13. Review status: criteria provided, single submitter. Criteria: ACMG Guidelines, 2015. Collection method: clinical testing. Allele origin: germline.

NIHR Bioresource Rare Diseases, University of Cambridge
Classification: Likely pathogenic for Hermansky-Pudlak syndrome. Last evaluated: 2019-02-01. Review status: criteria provided, single submitter. Criteria: ACMG Guidelines, 2015. Collection method: research. Allele origin: unknown. Affected: yes. Observed: 1 compound heterozygote. Study: ThromboGenomics.

GeneDx
Classification: Likely pathogenic. Last evaluated: 2018-02-21. Review status: criteria provided, single submitter. Criteria: GeneDx Variant Classification (06012015). Collection method: clinical testing. Allele origin: germline. Affected: yes.
Comment: The c.1423delC variant in the HPS5 gene has been reported previously in association with Hermansky-Pudlak syndrome, in an affected individual who was homozygous for the c.1423delC variant (reported as c.1081delC) and in an affected individual who was heterozygous for the c.1423delC variant, however no second HPS5 variant was identified (Ringeisen et al., 2013; Carmona-Rivera et al., 2011). The c.1423delC variant causes a frameshift starting with codon Leucine 475, changes this amino acid to a Serine residue, and creates a premature Stop codon at position 37 of the new reading frame, denoted p.Leu475SerfsX37. This variant is predicted to cause loss of normal protein function either through protein truncation or nonsense-mediated mRNA decay. The c.1423delC variant is observed in 18/246198 (0.007%) alleles in large population cohorts and no individuals were reported to be homozygous (Lek et al., 2016). We interpret c.1423delC as a likely pathogenic variant.

OMIM
Classification: Pathogenic for HERMANSKY-PUDLAK SYNDROME 5. Last evaluated: 2017-08-02. Review status: no assertion criteria provided. Collection method: literature only. Allele origin: germline. Not counted in ClinVar's aggregate classification.

Literature cited by the submitters: PubMed 12548288 (cited by Labcorp Genetics (formerly Invitae), Labcorp); PubMed 15296495 (cited by Labcorp Genetics (formerly Invitae), Labcorp); PubMed 21833017 (cited by Labcorp Genetics (formerly Invitae), Labcorp and Women's Health and Genetics/Laboratory Corporation of America, LabCorp); PubMed 26785811 (cited by Labcorp Genetics (formerly Invitae), Labcorp); PubMed 23607980 (cited by 3 submitters); PubMed 31064749 (cited by Women's Health and Genetics/Laboratory Corporation of America, LabCorp and NIHR Bioresource Rare Diseases, University of Cambridge); PubMed 24698632 (cited by OMIM).